The following is an entry in ClinVar:

ClinVar aggregate classification (germline): Conflicting classifications of pathogenicity. Review status: criteria provided, conflicting classifications (1 of 4 stars). 2 submissions from 2 submitters: Uncertain significance (1); Likely benign (1). Last evaluated 2026-05-27.

Conditions:
Neurodevelopmental disorder. Identifiers: MedGen C1535926, MeSH D065886, MONDO:0700092.
Inborn genetic diseases. Identifiers: MedGen C0950123, MeSH D030342.

Allele frequency attached by ClinVar (database versions not stated): ExAC 0.00001; gnomAD exomes 0.00001.
gnomAD v4.1: 19 of 1,613,964 alleles (0.0012%); highest among the groups gnomAD compares: Non-Finnish European, 0.0015%; no homozygotes.

Submissions (2):

Ambry Genetics
Classification: Uncertain significance for Inborn genetic diseases. Last evaluated: 2026-05-27. Review status: criteria provided, single submitter. Criteria: Ambry Variant Classification Scheme 2023. Collection method: clinical testing. Allele origin: germline.
Comment: The c.595G>C (p.E199Q) alteration is located in exon 5 (coding exon 5) of the TNRC6B gene. This alteration results from a G to C substitution at nucleotide position 595, causing the glutamic acid (E) at amino acid position 199 to be replaced by a glutamine (Q). Based on data from gnomAD, the C allele has an overall frequency of <0.001% (1/249240) total alleles studied. The highest observed frequency was 0.001% (1/113004) of European (non-Finnish) alleles. Based on insufficient or conflicting evidence, the clinical significance of this alteration remains unclear.

Victorian Clinical Genetics Services, Murdoch Childrens Research Institute
Classification: Likely benign for Neurodevelopmental disorder. Last evaluated: 2021-05-06. Review status: criteria provided, single submitter. Criteria: ACMG Guidelines, 2015. Collection method: clinical testing. Allele origin: germline. Inheritance: Autosomal dominant inheritance. Affected: yes.
Comment: Based on the classification scheme VCGS_Germline_v1.3.3, this variant is classified as Likely Benign. Following criteria are met: 0102 - Loss of function is a known mechanism of disease in this gene and is associated with TNCR6B-related neurodevelopmental syndrome. (I) 0107 - This gene is associated with autosomal dominant disease. (I) 0200 - Variant is predicted to result in a missense amino acid change from glutamic acid to glutamine. (I) 0251 - This variant is heterozygous. (I) 0302 - Variant is present in gnomAD <0.001 for a dominant condition (v2: 1 heterozygote, 0 homozygotes). (SP) 0503 - Missense variant consistently predicted to be tolerated by multiple in silico tools or not conserved in placental mammals with a minor amino acid change. (SB) 0604 - Variant is not located in an established domain, motif, hotspot or informative constraint region. (I) 0705 - No comparable missense variants have previous evidence for pathogenicity. (I) 0807 - This variant has no previous evidence of pathogenicity. (I) 0904 - Non-segregation of this variant with the phenotype under investigation has been clearly demonstrated. (I) 1007 - No published functional evidence has been identified for this variant. (I) Legend: (SP) - Supporting pathogenic, (I) - Information, (SB) - Supporting benign

NM_001162501.2(TNRC6B):c.595G>C (p.Glu199Gln)

Gene: TNRC6B (trinucleotide repeat containing adaptor 6B; plus strand). Cytogenetic location: 22q13.1.
Variant type: single nucleotide variant.
Coding change: c.595G>C on transcript NM_001162501.2 (MANE Select); coding-DNA position 595, G replaced by C.
Protein change: p.Glu199Gln; replaces glutamic acid 199 with glutamine.
Molecular consequence: missense variant. On other transcripts: intron variant (1).
Genome position (GRCh38, 1-based): chr22:40,264,825, G>C. VCF-style: chr22-40264825-G-C. GRCh37 (hg19) VCF-style: chr22-40660829-G-C.
Other names: c.595G>C, p.Glu199Gln (NM_015088.3); c.565+2652G>C (NM_001024843.2); short protein forms E199Q.
Identifiers: ClinVar variation 1805613 (VCV001805613.2), dbSNP rs777315934, ClinGen allele CA10246549.